The following is an entry in ClinVar:

NM_000540.3(RYR1):c.5608G>T (p.Val1870Phe)

Gene: RYR1 (ryanodine receptor 1; plus strand). Cytogenetic location: 19q13.2.
Variant type: single nucleotide variant.
Coding change: c.5608G>T on transcript NM_000540.3 (MANE Select); coding-DNA position 5608, G replaced by T.
Protein change: p.Val1870Phe; replaces valine 1870 with phenylalanine.
Molecular consequence: missense variant.
Genome position (GRCh38, 1-based): chr19:38,489,237, G>T. VCF-style: chr19-38489237-G-T. GRCh37 (hg19) VCF-style: chr19-38979877-G-T.
Other names: c.5608G>T, p.Val1870Phe (NM_001042723.2); short protein forms V1870F.
Identifiers: ClinVar variation 3899477 (VCV003899477.1).

ClinVar aggregate classification (germline): Uncertain significance (1 of 4 stars; one submission).

gnomAD v4.1: 1 of 1,613,852 alleles (0.000062%); highest among the groups gnomAD compares: Non-Finnish European, 0.000085%; no homozygotes.

Submission:

GeneDx
Classification: Uncertain significance. Last evaluated: 2024-11-18. Review status: criteria provided, single submitter. Criteria: GeneDx Variant Classification Process June 2021. Collection method: clinical testing. Allele origin: germline. Affected: yes.
Comment: Not observed at significant frequency in large population cohorts (gnomAD); In silico analysis supports that this missense variant has a deleterious effect on protein structure/function; Has not been previously published as pathogenic or benign to our knowledge